The following is an entry in ClinVar:

ClinVar aggregate classification (germline): Likely pathogenic. Review status: criteria provided, multiple submitters, no conflicts (2 of 4 stars). 2 submissions from 2 submitters: Likely pathogenic (2). Last evaluated 2016-12-01.

Submissions (2):

GeneDx
Classification: Likely pathogenic. Last evaluated: 2016-12-01. Review status: criteria provided, single submitter. Criteria: GeneDx Variant Classification (06012015). Collection method: clinical testing. Allele origin: germline. Affected: yes.
Comment: The c.15684delC variant in the SYNE1 gene has not been reported previously as a pathogenic variant, nor as a benign variant, to our knowledge. The c.15684delC variant causes a frameshift starting with codon Methionine 5229, changes this amino acid to a Cysteine residue, and creates a premature Stop codon at position 6 of the new reading frame, denoted p.Met5229CysfsX6. This variant is predicted to cause loss of normal protein function either through protein truncation or nonsense-mediated mRNA decay. The c.15684delC variant was not observed in approximately 6,500 individuals of European and African American ancestry in the NHLBI Exome Sequencing Project, indicating it is not a common benign variant in these populations. The c.15684delC variant is a strong candidate for a pathogenic variant, however the possibility it may be a rare benign variant cannot be excluded.

Athena Diagnostics
Classification: Likely pathogenic. Last evaluated: 2016-10-26. Review status: criteria provided, single submitter. Criteria: Athena Diagnostics Criteria. Collection method: clinical testing. Allele origin: germline.

NM_182961.4(SYNE1):c.15897del (p.Met5300fs)

Gene: SYNE1 (spectrin repeat containing nuclear envelope protein 1; minus strand). Cytogenetic location: 6q25.2.
Variant type: Deletion.
Coding change: c.15897del on transcript NM_182961.4 (MANE Select); coding-DNA position 15897, one base deleted (C; older notation c.15897delC).
Protein change: p.Met5300fs; shifts the reading frame from methionine 5300.
Molecular consequence: frameshift variant.
Genome position (GRCh38, 1-based): chr6:152,323,498, G deleted on the plus strand (C on the coding strand, the reverse complement: SYNE1 is on the minus strand); the first of 2 consecutive G bases (chr6:152,323,498-152,323,499); deleting either gives the same sequence. VCF-style (leftmost placement, unchanged base first): chr6-152323497-TG-T. GRCh37 (hg19) VCF-style: chr6-152644632-TG-T.
Other names: c.15684del, p.Met5229fs (NM_033071.5); c.15684delC (NM_033071.3); short protein forms M5229fs, M5300fs.
Identifiers: ClinVar variation 373774 (VCV000373774.2), dbSNP rs1057518603, ClinGen allele CA16042540.